The following is an entry in ClinVar:

ClinVar aggregate classification (germline): Uncertain significance. Review status: criteria provided, multiple submitters, no conflicts (2 of 4 stars). 2 submissions from 2 submitters: Uncertain significance (2). Last evaluated 2025-07-30.

Conditions:
Hereditary cancer-predisposing syndrome. Also called: Neoplastic Syndromes, Hereditary; Hereditary neoplastic syndrome; Hereditary Cancer Syndrome; Tumor predisposition. Identifiers: Orphanet 140162, MedGen C0027672, MeSH D009386, MONDO:0015356.
Tuberous sclerosis 2 (TSC2). Identifiers: Orphanet 805, MedGen C1860707, MONDO:0013199, OMIM 613254.

Submissions (2):

Labcorp Genetics (formerly Invitae), Labcorp
Classification: Uncertain significance for Tuberous sclerosis 2. Last evaluated: 2025-07-30. Review status: criteria provided, single submitter. Criteria: Invitae Variant Classification Sherloc (09022015). Collection method: clinical testing. Allele origin: germline.
Comment: This sequence change creates a premature translational stop signal (p.Pro961Thrfs*23) in the TSC2 gene. Loss-of-function variants in TSC2 are known to be pathogenic (PMID: 10205261, 17304050). However, tissue-specific alternative splicing of TSC2 gene results in a functional isoform lacking in-frame exon 26 (also known as exon 25, PMID: 26703369). For this reason the clinical significance of loss of function variants in exon 26 is currently uncertain. This variant is not present in population databases (gnomAD no frequency). This variant has not been reported in the literature in individuals affected with TSC2-related conditions. ClinVar contains an entry for this variant (Variation ID: 942159). RNA analysis performed to evaluate the impact of this premature translational stop signal on mRNA splicing indicates it does not significantly alter splicing (internal data). In summary, the available evidence is currently insufficient to determine the role of this variant in disease. Therefore, it has been classified as a Variant of Uncertain Significance.

Ambry Genetics
Classification: Uncertain significance for Hereditary cancer-predisposing syndrome. Last evaluated: 2025-01-11. Review status: criteria provided, single submitter. Criteria: Ambry Variant Classification Scheme 2023. Collection method: clinical testing. Allele origin: germline.
Comment: The c.2880_2881delTC variant, located in coding exon 25 of the TSC2 gene, results from a deletion of two nucleotides at nucleotide positions 2880 to 2881, causing a translational frameshift with a predicted alternate stop codon (p.P961Tfs*23). This alteration is expected to result in premature protein truncation or nonsense-mediated mRNA decay. However, this variant occurs in an exon that is absent in biologically relevant transcripts (Ekong R et al. Hum. Mutat. 2016 Apr; 37:362-70). Based on the available evidence, the clinical significance of this variant remains unclear.

Literature cited by the submitters: PubMed 10205261 (cited by Labcorp Genetics (formerly Invitae), Labcorp); PubMed 17304050 (cited by Labcorp Genetics (formerly Invitae), Labcorp).

NM_000548.5(TSC2):c.2880_2881del (p.Pro961fs)

Gene: TSC2 (TSC complex subunit 2; plus strand). Cytogenetic location: 16p13.3.
Variant type: Microsatellite.
Coding change: c.2880_2881del on transcript NM_000548.5 (MANE Select); coding-DNA positions 2880 to 2881, 2 bases deleted (TC; older notation c.2880_2881delTC).
Protein change: p.Pro961fs; shifts the reading frame from proline 961.
Molecular consequence: frameshift variant. On other transcripts: intron variant (9).
Genome position (GRCh38, 1-based): chr16:2,077,640-2,077,641, TC deleted; deleting any 2 consecutive bases within chr16:2,077,637-2,077,641 gives the same sequence; the c. name uses the placement nearest the transcript's 3' end. VCF-style (leftmost placement, unchanged base first): chr16-2077636-ACT-A. GRCh37 (hg19) VCF-style: chr16-2127637-ACT-A.
Other names: c.2880_2881del, p.Pro961fs (NM_001114382.3); c.2837+1055_2837+1056del (NM_021055.3, NM_001370405.1, NM_001363528.2 and 2 more transcripts); c.2726+1055_2726+1056del (NM_001318827.2); c.2237+1055_2237+1056del (NM_001318831.2); c.2690+1055_2690+1056del (NM_001318829.2); c.2870+1055_2870+1056del (NM_001318832.2); c.2880_2881delTC (NM_000548.3); short protein forms P961fs.
Identifiers: ClinVar variation 942159 (VCV000942159.13), dbSNP rs2089583790, ClinGen allele CA2202023216.
Genomic context (GRCh38, chr16:2,077,636, plus strand): 5'-GGGCTCCTTCCTCACCCGATAGTCTGAGGATAGCCAGACCCCCCAAACAAGGCTTGAATA[ACT>A]CTCCACCCGTGAAAGAATTCAAGGAGAGCTCTGCAGCCGAGGCCTTCCGGTGCCGCAGCA-3'